The following is an entry in ClinVar:

ClinVar aggregate classification (germline): Benign. Review status: criteria provided, multiple submitters, no conflicts (2 of 4 stars). 3 submissions from 2 submitters: Benign (3). Last evaluated 2018-01-13.

Conditions:
Glaucoma 3A. Also called: Glaucoma 3, primary congenital, A. Identifiers: Orphanet 98976, Orphanet 98977, MedGen C1856439, MONDO:0009277, OMIM 231300.
Irido-corneo-trabecular dysgenesis (ASGD5). Also called: ANTERIOR SEGMENT DYSGENESIS 5. Identifiers: Orphanet 708, MedGen C0344559, MONDO:0011414, OMIM 604229, HP:0000659.

Allele frequency attached by ClinVar (database versions not stated): 1000 Genomes Project 0.12480; 1000 Genomes Project 30x 0.13023; gnomAD exomes 0.18044; gnomAD 0.18385 and 0.18874; TOPMed 0.18887.
gnomAD v4.1: 40,955 of 223,730 alleles (18%); highest among the groups gnomAD compares: Middle Eastern, 21%; 4,078 homozygotes.

Submissions (3):

Illumina Laboratory Services, Illumina
Classification: Benign for Glaucoma 3A. Last evaluated: 2018-01-13. Review status: criteria provided, single submitter. Criteria: ICSL Variant Classification Criteria 13 December 2019. Collection method: clinical testing. Allele origin: germline.
Comment: This variant was observed in the ICSL laboratory as part of a predisposition screen in an ostensibly healthy population. It had not been previously curated by ICSL or reported in the Human Gene Mutation Database (HGMD: prior to June 1st, 2018), and was therefore a candidate for classification through an automated scoring system. Utilizing variant allele frequency, disease prevalence and penetrance estimates, and inheritance mode, an automated score was calculated to assess if this variant is too frequent to cause the disease. Based on the score and internal cut-off values, a variant classified as benign is not then subjected to further curation. The score for this variant resulted in a classification of benign for this disease.

Illumina Laboratory Services, Illumina
Classification: Benign for Irido-corneo-trabecular dysgenesis. Last evaluated: 2018-01-13. Review status: criteria provided, single submitter. Criteria: ICSL Variant Classification Criteria 13 December 2019. Collection method: clinical testing. Allele origin: germline.
Comment: the same text as in the submission from Illumina Laboratory Services, Illumina above.

Breakthrough Genomics
Classification: Benign. Review status: criteria provided, single submitter. Criteria: ACMG Guidelines, 2015. Collection method: not provided. Allele origin: germline. Inheritance: Autosomal recessive inheritance. Affected: yes.

NM_000104.4(CYP1B1):c.*2409A>T

Gene: CYP1B1 (cytochrome P450 family 1 subfamily B member 1; minus strand). Cytogenetic location: 2p22.2.
Variant type: single nucleotide variant.
Coding change: c.*2409A>T on transcript NM_000104.4 (MANE Select); 2409 bases downstream of the stop codon, A replaced by T.
Molecular consequence: 3 prime UTR variant.
Genome position (GRCh38, 1-based): chr2:38,068,313, T>A on the plus strand (A>T on the coding strand, the complement: CYP1B1 is on the minus strand). VCF-style: chr2-38068313-T-A. GRCh37 (hg19) VCF-style: chr2-38295456-T-A.
Identifiers: ClinVar variation 335910 (VCV000335910.6), dbSNP rs162549, ClinGen allele CA10615152.